The following is an entry in ClinVar:

NM_078480.3(PUF60):c.891dup (p.Arg298fs)

Gene: PUF60 (poly(U) binding splicing factor 60; minus strand). Cytogenetic location: 8q24.3.
Variant type: Duplication.
Coding change: c.891dup on transcript NM_078480.3 (MANE Select); coding-DNA position 891, one base duplicated (G; older notation c.891dupG).
Protein change: p.Arg298fs; shifts the reading frame from arginine 298.
Molecular consequence: frameshift variant.
Genome position (GRCh38, 1-based): chr8:143,817,709, C duplicated on the plus strand (G on the coding strand, the reverse complement: PUF60 is on the minus strand). VCF-style (leftmost placement, unchanged base first): chr8-143817708-G-GC. GRCh37 (hg19) VCF-style: chr8-144899878-G-GC.
Other names: c.762dup, p.Arg255fs (NM_001136033.3); c.837dup, p.Arg280fs (NM_001271096.2); c.753dup, p.Arg252fs (NM_001271097.2); c.888dup, p.Arg297fs (NM_001271098.2); c.804dup, p.Arg269fs (NM_001271099.2); c.711dup, p.Arg238fs (NM_001271100.2); c.1002dup, p.Arg335fs (NM_001362895.2, NM_001362896.2); c.951dup, p.Arg318fs (NM_001362897.2); and 2 more; short protein forms R238fs, R252fs, R255fs, R269fs, R280fs, R281fs, R297fs, R298fs.
Identifiers: ClinVar variation 3337501 (VCV003337501.2).

ClinVar aggregate classification (germline): Pathogenic/Likely pathogenic. Review status: criteria provided, multiple submitters, no conflicts (2 of 4 stars). 2 submissions from 2 submitters: Pathogenic (1); Likely pathogenic (1). Last evaluated 2025-04-25.

Submissions (2):

GeneDx
Classification: Pathogenic. Last evaluated: 2025-04-25. Review status: criteria provided, single submitter. Criteria: GeneDx Variant Classification Process June 2021. Collection method: clinical testing. Allele origin: germline. Affected: yes.
Comment: Frameshift variant predicted to result in abnormal protein length as the last 262 amino acids are replaced with 148 different amino acids, and other similar variants have been reported in HGMD; Not observed at significant frequency in large population cohorts (gnomAD); Has not been previously published as pathogenic or benign to our knowledge

Clinical Genetics Laboratory, Skane University Hospital Lund
Classification: Likely pathogenic. Last evaluated: 2023-11-06. Review status: criteria provided, single submitter. Criteria: ACMG Guidelines, 2015. Collection method: clinical testing. Allele origin: germline. Affected: yes.